The following is an entry in ClinVar:

ClinVar aggregate classification (germline): Pathogenic/Likely pathogenic. Review status: criteria provided, multiple submitters, no conflicts (2 of 4 stars). 7 submissions from 7 submitters: Pathogenic (5); Likely pathogenic (2). Last evaluated 2023-10-23.

Conditions:
Hereditary cancer-predisposing syndrome. Also called: Hereditary Cancer Syndrome; Neoplastic Syndromes, Hereditary; Hereditary neoplastic syndrome; Tumor predisposition. Identifiers: Orphanet 140162, MedGen C0027672, MeSH D009386, MONDO:0015356.
Hereditary nonpolyposis colorectal neoplasms. Identifiers: MedGen C0009405, MeSH D003123.
Lynch syndrome 5 (LYNCH5). Also called: Hereditary non-polyposis colorectal cancer, type 5; Colorectal cancer, hereditary nonpolyposis, type 5. Identifiers: Orphanet 144, MedGen C1833477, MONDO:0013710, OMIM 614350. Disease mechanism: loss of function.
Endometrial carcinoma. Also called: Endometrial carcinoma, somatic. Identifiers: MedGen C0476089, MONDO:0002447, OMIM 608089, HP:0012114.

Submissions (7):

Labcorp Genetics (formerly Invitae), Labcorp
Classification: Pathogenic for Hereditary nonpolyposis colorectal neoplasms. Last evaluated: 2023-10-23. Review status: criteria provided, single submitter. Criteria: Invitae Variant Classification Sherloc (09022015). Collection method: clinical testing. Allele origin: germline.
Comment: This sequence change creates a premature translational stop signal (p.Trp372*) in the MSH6 gene. It is expected to result in an absent or disrupted protein product. Loss-of-function variants in MSH6 are known to be pathogenic (PMID: 18269114, 24362816). This variant is not present in population databases (gnomAD no frequency). This variant has not been reported in the literature in individuals affected with MSH6-related conditions. ClinVar contains an entry for this variant (Variation ID: 428346). For these reasons, this variant has been classified as Pathogenic.

Baylor Genetics
Classification: Likely pathogenic for Endometrial carcinoma. Last evaluated: 2023-08-25. Review status: criteria provided, single submitter. Criteria: ACMG Guidelines, 2015. Collection method: clinical testing. Allele origin: unknown.

Myriad Genetics, Inc.
Classification: Pathogenic for Lynch syndrome 5. Last evaluated: 2023-08-11. Review status: criteria provided, single submitter. Criteria: Myriad Autosomal Dominant, Autosomal Recessive and X-Linked Classification Criteria (2023). Collection method: clinical testing. Allele origin: unknown.
Comment: This variant is considered pathogenic. This variant creates a termination codon and is predicted to result in premature protein truncation.

Quest Diagnostics Nichols Institute San Juan Capistrano
Classification: Likely pathogenic. Last evaluated: 2023-01-16. Review status: criteria provided, single submitter. Criteria: Quest Diagnostics criteria. Collection method: clinical testing. Allele origin: unknown.
Comment: This nonsense variant is predicted to cause the premature termination of MSH6 protein synthesis. The variant has not been reported in the published literature. It also has not been reported in large, multi-ethnic general populations. Based on the available information, this variant is classified as likely pathogenic.

Revvity Omics, Revvity
Classification: Pathogenic. Last evaluated: 2022-12-05. Review status: criteria provided, single submitter. Criteria: ACMG Guidelines, 2015. Collection method: clinical testing. Allele origin: germline.

Ambry Genetics
Classification: Pathogenic for Hereditary cancer-predisposing syndrome. Last evaluated: 2022-10-31. Review status: criteria provided, single submitter. Criteria: Ambry Variant Classification Scheme 2023. Collection method: clinical testing. Allele origin: germline.
Comment: The p.W372* pathogenic mutation (also known as c.1115G>A), located in coding exon 4 of the MSH6 gene, results from a G to A substitution at nucleotide position 1115. This changes the amino acid from a tryptophan to a stop codon within coding exon 4. This alteration is expected to result in loss of function by premature protein truncation or nonsense-mediated mRNA decay. As such, this alteration is interpreted as a disease-causing mutation.

GeneDx
Classification: Pathogenic. Last evaluated: 2022-08-03. Review status: criteria provided, single submitter. Criteria: GeneDx Variant Classification Process June 2021. Collection method: clinical testing. Allele origin: germline. Affected: yes.
Comment: Nonsense variant predicted to result in protein truncation or nonsense mediated decay in a gene for which loss-of-function is a known mechanism of disease; Not observed at significant frequency in large population cohorts (gnomAD); Truncating variants in this gene are considered pathogenic by a well-established clinical consortium and/or database; Has not been previously published as pathogenic or benign to our knowledge

Literature cited by the submitters: PubMed 18269114 (cited by Labcorp Genetics (formerly Invitae), Labcorp); PubMed 24362816 (cited by Labcorp Genetics (formerly Invitae), Labcorp).

NM_000179.3(MSH6):c.1115G>A (p.Trp372Ter)

Gene: MSH6 (mutS homolog 6; plus strand). Cytogenetic location: 2p16.3.
Variant type: single nucleotide variant.
Coding change: c.1115G>A on transcript NM_000179.3 (MANE Select); coding-DNA position 1115, G replaced by A.
Protein change: p.Trp372Ter; replaces tryptophan 372 with a stop codon.
Molecular consequence: nonsense.
Genome position (GRCh38, 1-based): chr2:47,799,098, G>A. VCF-style: chr2-47799098-G-A. GRCh37 (hg19) VCF-style: chr2-48026237-G-A.
Other names: c.725G>A, p.Trp242Ter (NM_001281492.2); c.209G>A, p.Trp70Ter (NM_001281493.2, NM_001281494.2); short protein forms W372*, W242*, W70*.
Identifiers: ClinVar variation 428346 (VCV000428346.20), dbSNP rs1114167731, ClinGen allele CA346741989.
Genomic context (GRCh38, chr2:47,799,098, plus strand): 5'-TTAGTGGAGGTGGTGATGACAGTAGTCGCCCTACTGTTTGGTATCATGAAACTTTAGAAT[G>A]GCTTAAGGAGGAAAAGAGAAGAGATGAGCACAGGAGGAGGCCTGATCACCCCGATTTTGA-3'